The following is an entry in ClinVar:

ClinVar aggregate classification (germline): Pathogenic (1 of 4 stars; one submission).

Submission:

Labcorp Genetics (formerly Invitae), Labcorp
Classification: Pathogenic. Last evaluated: 2023-04-05. Review status: criteria provided, single submitter. Criteria: Invitae Variant Classification Sherloc (09022015). Collection method: clinical testing. Allele origin: germline.
Comment: This sequence change creates a premature translational stop signal (p.Cys20*) in the CLRN1 gene. It is expected to result in an absent or disrupted protein product. Loss-of-function variants in CLRN1 are known to be pathogenic (PMID: 11524702, 24498627). This variant is not present in population databases (gnomAD no frequency). This variant has not been reported in the literature in individuals affected with CLRN1-related conditions. For these reasons, this variant has been classified as Pathogenic.

Literature cited by the submitters: PubMed 11524702; PubMed 24498627.

NM_174878.3(CLRN1):c.60T>A (p.Cys20Ter)

Gene: CLRN1 (clarin 1; minus strand). Cytogenetic location: 3q25.1.
Variant type: single nucleotide variant.
Coding change: c.60T>A on transcript NM_174878.3 (MANE Select); coding-DNA position 60, T replaced by A.
Protein change: p.Cys20Ter; replaces cysteine 20 with a stop codon.
Molecular consequence: nonsense. On other transcripts: non-coding transcript variant (1).
Genome position (GRCh38, 1-based): chr3:150,972,649, A>T on the plus strand (T>A on the coding strand, the complement: CLRN1 is on the minus strand). VCF-style: chr3-150972649-A-T. GRCh37 (hg19) VCF-style: chr3-150690436-A-T.
Other names: c.60T>A, p.Cys20Ter (NM_001195794.1, NM_001256819.2); short protein forms C20*.
Identifiers: ClinVar variation 2839908 (VCV002839908.3), dbSNP rs1168480900, ClinGen allele CA355012133.